The following is an entry in ClinVar:

ClinVar aggregate classification (germline): Uncertain significance (1 of 4 stars; one submission).

Conditions:
Breast-ovarian cancer, familial, susceptibility to, 2 (BROVCA2). Also called: BRCA2 Hereditary Breast and Ovarian Cancer. Identifiers: Orphanet 145, MedGen C2675520, MONDO:0012933, OMIM 612555. Disease mechanism: loss of function.

Submission:

MVZ Praenatalmedizin und Genetik Nuernberg
Classification: Uncertain significance for Breast-ovarian cancer, familial, susceptibility to, 2. Last evaluated: 2023-06-15. Review status: criteria provided, single submitter. Criteria: ACMG Guidelines, 2015. Collection method: clinical testing. Allele origin: germline. Affected: yes.
Comment: This very rare variant (gnomAD v2: 0 alleles) has not yet been described in the databases (ClinVar, LOVD, FLOSSIES). The literature review did not reveal any information relevant to the classification, and functional studies are not yet available. Although computer-assisted predictions (in silico) predominantly assess the variant as benign, this is not yet sufficient for classification. In summary, based on the current data, we assess this variant as having unclear clinical significance (VUS)

NM_000059.4(BRCA2):c.3751A>G (p.Thr1251Ala)

Gene: BRCA2 (BRCA2 DNA repair associated; plus strand). Cytogenetic location: 13q13.1.
Variant type: single nucleotide variant.
Coding change: c.3751A>G on transcript NM_000059.4 (MANE Select); coding-DNA position 3751, A replaced by G.
Protein change: p.Thr1251Ala; replaces threonine 1251 with alanine.
Molecular consequence: missense variant. On other transcripts: non-coding transcript variant (1), intron variant (2).
Genome position (GRCh38, 1-based): chr13:32,338,106, A>G. VCF-style: chr13-32338106-A-G. GRCh37 (hg19) VCF-style: chr13-32912243-A-G.
Other names: c.3751A>G, p.Thr1251Ala (NM_001406719.1, NM_001406720.1, NM_001432077.1); c.1909+4719A>G (NM_001406721.1); c.425-6452A>G (NM_001406722.1); short protein forms T1251A.
Identifiers: ClinVar variation 4813450 (VCV004813450.1).